The following is an entry in ClinVar:

ClinVar aggregate classification (germline): Uncertain significance. Review status: criteria provided, multiple submitters, no conflicts (2 of 4 stars). 2 submissions from 2 submitters: Uncertain significance (2). Last evaluated 2025-04-30.

Conditions:
Hereditary cancer-predisposing syndrome. Also called: Hereditary Cancer Syndrome; Neoplastic Syndromes, Hereditary; Tumor predisposition; Hereditary neoplastic syndrome. Identifiers: Orphanet 140162, MedGen C0027672, MeSH D009386, MONDO:0015356.
Multiple endocrine neoplasia, type 1 (MEN1). Also called: MEN I; WERMER SYNDROME; MEA I; Endocrine adenomatosis multiple; MEN 1. Identifiers: Orphanet 652, MedGen C0025267, MeSH D018761, MONDO:0007540, OMIM 131100.

Submissions (2):

Labcorp Genetics (formerly Invitae), Labcorp
Classification: Uncertain significance for Multiple endocrine neoplasia, type 1. Last evaluated: 2025-04-30. Review status: criteria provided, single submitter. Criteria: Invitae Variant Classification Sherloc (09022015). Collection method: clinical testing. Allele origin: germline.
Comment: This sequence change replaces arginine, which is basic and polar, with glycine, which is neutral and non-polar, at codon 171 of the MEN1 protein (p.Arg171Gly). This variant is present in population databases (rs143329068, gnomAD 0.007%). This variant has not been reported in the literature in individuals affected with MEN1-related conditions. ClinVar contains an entry for this variant (Variation ID: 1347403). Invitae Evidence Modeling of protein sequence and biophysical properties (such as structural, functional, and spatial information, amino acid conservation, physicochemical variation, residue mobility, and thermodynamic stability) indicates that this missense variant is not expected to disrupt MEN1 protein function with a negative predictive value of 80%. In summary, the available evidence is currently insufficient to determine the role of this variant in disease. Therefore, it has been classified as a Variant of Uncertain Significance.

Ambry Genetics
Classification: Uncertain significance for Hereditary cancer-predisposing syndrome. Last evaluated: 2025-04-11. Review status: criteria provided, single submitter. Criteria: Ambry Variant Classification Scheme 2023. Collection method: clinical testing. Allele origin: germline.
Comment: The p.R171G variant (also known as c.511C>G), located in coding exon 2 of the MEN1 gene, results from a C to G substitution at nucleotide position 511. The arginine at codon 171 is replaced by glycine, an amino acid with dissimilar properties. This amino acid position is well conserved in available vertebrate species. In addition, the in silico prediction for this alteration is inconclusive. Since supporting evidence is limited at this time, the clinical significance of this alteration remains unclear.

NM_001370259.2(MEN1):c.511C>G (p.Arg171Gly)

Gene: MEN1 (menin 1; minus strand). Cytogenetic location: 11q13.1.
Variant type: single nucleotide variant.
Coding change: c.511C>G on transcript NM_001370259.2 (MANE Select); coding-DNA position 511, C replaced by G.
Protein change: p.Arg171Gly; replaces arginine 171 with glycine.
Molecular consequence: missense variant.
Genome position (GRCh38, 1-based): chr11:64,808,034, G>C on the plus strand (C>G on the coding strand, the complement: MEN1 is on the minus strand). VCF-style: chr11-64808034-G-C. GRCh37 (hg19) VCF-style: chr11-64575506-G-C.
Other names: c.511C>G (NM_130799.2); c.526C>G, p.Arg176Gly (NM_130804.3, NM_000244.4, NM_130800.3 and 3 more transcripts); c.511C>G, p.Arg171Gly (NM_001370251.2, NM_001370260.2, NM_001370261.2 and 3 more transcripts); short protein forms R171G, R176G.
Identifiers: ClinVar variation 1347403 (VCV001347403.10), dbSNP rs143329068, ClinGen allele CA061243.